The following is an entry in ClinVar:

NM_001482.3(GATM):c.616C>T (p.Arg206Cys)

Gene: GATM (glycine amidinotransferase; minus strand). Cytogenetic location: 15q21.1.
Variant type: single nucleotide variant.
Coding change: c.616C>T on transcript NM_001482.3 (MANE Select); coding-DNA position 616, C replaced by T.
Protein change: p.Arg206Cys; replaces arginine 206 with cysteine.
Molecular consequence: missense variant.
Genome position (GRCh38, 1-based): chr15:45,368,129, G>A on the plus strand (C>T on the coding strand, the complement: GATM is on the minus strand). VCF-style: chr15-45368129-G-A. GRCh37 (hg19) VCF-style: chr15-45660327-G-A.
Other names: p.R206C:CGT>TGT; c.229C>T, p.Arg77Cys (NM_001321015.2); short protein forms R206C, R77C.
Identifiers: ClinVar variation 205623 (VCV000205623.13), dbSNP rs769023072, ClinGen allele CA314888.

ClinVar aggregate classification (germline): Uncertain significance. Review status: criteria provided, multiple submitters, no conflicts (2 of 4 stars). 5 submissions from 5 submitters: Uncertain significance (5). Last evaluated 2025-01-06.

Conditions:
Inborn genetic diseases. Identifiers: MedGen C0950123, MeSH D030342.
Arginine:glycine amidinotransferase deficiency (CCDS3). Also called: AGAT deficiency; L-Arginine:Glycine Amidinotransferase (AGAT) Deficiency; Cerebral creatine deficiency syndrome 3; L-Arginine:Glycine Amidinotransferase Deficiency; Creatine deficiency syndrome due to AGAT deficiency; GATM deficiency. Identifiers: Orphanet 35704, MedGen C2675179, MONDO:0012996, OMIM 612718.
Fanconi renotubular syndrome 1. Also called: FRTS1; Toni-Debre-Fanconi syndrome; Neonatal De Toni-Debre-Fanconi syndrome; De Toni-Fanconi syndrome; LUDER-SHELDON SYNDROME. Identifiers: MedGen C4551503, MONDO:0024525, OMIM 134600.

Allele frequency attached by ClinVar (database versions not stated): gnomAD exomes 0.00001 and 0.00002; TOPMed 0.00001; ExAC 0.00002.
gnomAD v4.1: 29 of 1,614,026 alleles (0.0018%); highest among the groups gnomAD compares: Non-Finnish European, 0.0021%; no homozygotes.

Submissions (5):

Labcorp Genetics (formerly Invitae), Labcorp
Classification: Uncertain significance for Arginine:glycine amidinotransferase deficiency. Last evaluated: 2025-01-06. Review status: criteria provided, single submitter. Criteria: Invitae Variant Classification Sherloc (09022015). Collection method: clinical testing. Allele origin: germline.
Comment: This sequence change replaces arginine, which is basic and polar, with cysteine, which is neutral and slightly polar, at codon 206 of the GATM protein (p.Arg206Cys). This variant is present in population databases (rs769023072, gnomAD 0.003%). This variant has not been reported in the literature in individuals affected with GATM-related conditions. ClinVar contains an entry for this variant (Variation ID: 205623). Invitae Evidence Modeling of protein sequence and biophysical properties (such as structural, functional, and spatial information, amino acid conservation, physicochemical variation, residue mobility, and thermodynamic stability) has been performed for this missense variant. However, the output from this modeling did not meet the statistical confidence thresholds required to predict the impact of this variant on GATM protein function. In summary, the available evidence is currently insufficient to determine the role of this variant in disease. Therefore, it has been classified as a Variant of Uncertain Significance.

Women's Health and Genetics/Laboratory Corporation of America, LabCorp
Classification: Uncertain significance. Last evaluated: 2023-10-18. Review status: criteria provided, single submitter. Criteria: LabCorp Variant Classification Summary - May 2015. Collection method: clinical testing. Allele origin: germline.
Comment: Variant summary: GATM c.616C>T (p.Arg206Cys) results in a non-conservative amino acid change in the encoded protein sequence. Three of five in-silico tools predict a damaging effect of the variant on protein function. The variant allele was found at a frequency of 1.2e-05 in 251386 control chromosomes (gnomAD). The available data on variant occurrences in the general population are insufficient to allow any conclusion about variant significance. To our knowledge, no occurrence of c.616C>T in individuals affected with Arginine:glycine Amidinotransferase Deficiency and no experimental evidence demonstrating its impact on protein function have been reported. Three submitters have cited clinical-significance assessments for this variant to ClinVar after 2014. All submitters classified the variant as uncertain significance. Based on the evidence outlined above, the variant was classified as uncertain significance.

Fulgent Genetics
Classification: Uncertain significance for Fanconi renotubular syndrome 1; Arginine:glycine amidinotransferase deficiency. Last evaluated: 2021-10-22. Review status: criteria provided, single submitter. Criteria: ACMG Guidelines, 2015. Collection method: clinical testing. Allele origin: unknown.

Ambry Genetics
Classification: Uncertain significance for Inborn genetic diseases. Last evaluated: 2020-04-27. Review status: criteria provided, single submitter. Criteria: Ambry Variant Classification Scheme 2023. Collection method: clinical testing. Allele origin: germline.
Comment: The p.R206C variant (also known as c.616C>T), located in coding exon 4 of the GATM gene, results from a C to T substitution at nucleotide position 616. The arginine at codon 206 is replaced by cysteine, an amino acid with highly dissimilar properties. This amino acid position is not well conserved in available vertebrate species. In addition, this alteration is predicted to be tolerated by in silico analysis. Since supporting evidence is limited at this time, the clinical significance of this alteration remains unclear.

GeneDx
Classification: Uncertain significance. Last evaluated: 2014-12-17. Review status: criteria provided, single submitter. Criteria: GeneDx Variant Classification (06012015). Collection method: clinical testing. Allele origin: germline. Affected: yes.
Comment: p.Arg206Cys (CGT>TGT): c.616 C>T in exon 4 of the GATM gene (NM_001482.2). The R206C variant has not been published as a mutation, nor has it been reported as a benign polymorphism to our knowledge. It was not observed in approximately 6,500 individuals of European and African American ancestry in the NHLBI Exome Sequencing Project, indicating it is not a common benign variant in these populations. The R206C variant is a non-conservative amino acid substitution, which is likely to impact secondary protein structure as these residues differ in polarity, charge, size and/or other properties. This substitution occurs at a position that is conserved across mammals; however, Cysteine is observed at this position in evolution. In silico analysis predicts this variant is probably damaging to the protein structure/function. Therefore, based on the currently available information, it is unclear whether this variant is a pathogenic mutation or a rare benign variant. The variant is found in EPILEPSY panel(s).